The following is an entry in ClinVar:

NM_001371928.1(AHDC1):c.241G>C (p.Asp81His)

Gene: AHDC1 (AT-hook DNA binding motif containing 1; minus strand). Cytogenetic location: 1p36.11.
Variant type: single nucleotide variant.
Coding change: c.241G>C on transcript NM_001371928.1 (MANE Select); coding-DNA position 241, G replaced by C.
Protein change: p.Asp81His; replaces aspartic acid 81 with histidine.
Molecular consequence: missense variant.
Genome position (GRCh38, 1-based): chr1:27,551,875, C>G on the plus strand (G>C on the coding strand, the complement: AHDC1 is on the minus strand). VCF-style: chr1-27551875-C-G. GRCh37 (hg19) VCF-style: chr1-27878386-C-G.
Other names: c.241G>C, p.Asp81His (NM_001029882.3); short protein forms D81H.
Identifiers: ClinVar variation 1987153 (VCV001987153.4), dbSNP rs756494255, ClinGen allele CA716195.

ClinVar aggregate classification (germline): Uncertain significance (1 of 4 stars; one submission).

Allele frequency attached by ClinVar (database versions not stated): gnomAD exomes below 0.00001; TOPMed below 0.00001.
gnomAD v4.1: 4 of 1,608,194 alleles (0.00025%); highest among the groups gnomAD compares: East Asian, 0.0022%; no homozygotes.

Submission:

Labcorp Genetics (formerly Invitae), Labcorp
Classification: Uncertain significance. Last evaluated: 2025-06-23. Review status: criteria provided, single submitter. Criteria: Invitae Variant Classification Sherloc (09022015). Collection method: clinical testing. Allele origin: germline.
Comment: This sequence change replaces aspartic acid, which is acidic and polar, with histidine, which is basic and polar, at codon 81 of the AHDC1 protein (p.Asp81His). This variant is present in population databases (rs756494255, gnomAD 0.006%). This variant has not been reported in the literature in individuals affected with AHDC1-related conditions. ClinVar contains an entry for this variant (Variation ID: 1987153). An algorithm developed to predict the effect of missense changes on protein structure and function (PolyPhen-2) suggests that this variant is likely to be disruptive. In summary, the available evidence is currently insufficient to determine the role of this variant in disease. Therefore, it has been classified as a Variant of Uncertain Significance.